The following is an entry in ClinVar:

ClinVar aggregate classification (germline): Uncertain significance (1 of 4 stars; one submission).

Conditions:
Combined malonic and methylmalonic acidemia. Identifiers: Orphanet 289504, MedGen C3280314, MONDO:0013661, OMIM 614265.

Submission:

Labcorp Genetics (formerly Invitae), Labcorp
Classification: Uncertain significance for Combined malonic and methylmalonic acidemia. Last evaluated: 2025-08-10. Review status: criteria provided, single submitter. Criteria: Invitae Variant Classification Sherloc (09022015). Collection method: clinical testing. Allele origin: germline.
Comment: This sequence change replaces glycine, which is neutral and non-polar, with arginine, which is basic and polar, at codon 513 of the ACSF3 protein (p.Gly513Arg). This variant is not present in population databases (gnomAD no frequency). This variant has not been reported in the literature in individuals affected with ACSF3-related conditions. Invitae Evidence Modeling of protein sequence and biophysical properties (such as structural, functional, and spatial information, amino acid conservation, physicochemical variation, residue mobility, and thermodynamic stability) indicates that this missense variant is expected to disrupt ACSF3 protein function with a positive predictive value of 95%. In summary, the available evidence is currently insufficient to determine the role of this variant in disease. Therefore, it has been classified as a Variant of Uncertain Significance.

NM_001243279.3(ACSF3):c.1537G>C (p.Gly513Arg)

Gene: ACSF3 (acyl-CoA synthetase family member 3; plus strand). Cytogenetic location: 16q24.3.
Variant type: single nucleotide variant.
Coding change: c.1537G>C on transcript NM_001243279.3 (MANE Select); coding-DNA position 1537, G replaced by C.
Protein change: p.Gly513Arg; replaces glycine 513 with arginine.
Molecular consequence: missense variant. On other transcripts: non-coding transcript variant (4).
Genome position (GRCh38, 1-based): chr16:89,145,973, G>C. VCF-style: chr16-89145973-G-C. GRCh37 (hg19) VCF-style: chr16-89212381-G-C.
Other names: c.1537G>C, p.Gly513Arg (NM_001127214.4, NM_174917.5); c.742G>C, p.Gly248Arg (NM_001284316.2); short protein forms G248R, G513R.
Identifiers: ClinVar variation 4798286 (VCV004798286.1).